The following is an entry in ClinVar:

ClinVar aggregate classification (germline): Uncertain significance (1 of 4 stars; one submission).

Submission:

GeneDx
Classification: Uncertain significance. Last evaluated: 2025-07-11. Review status: criteria provided, single submitter. Criteria: GeneDx Variant Classification Process June 2021. Collection method: clinical testing. Allele origin: germline. Affected: yes.
Comment: Not observed at significant frequency in large population cohorts (gnomAD); In silico analysis supports that this missense variant has a deleterious effect on protein structure/function; Has not been previously published as pathogenic or benign to our knowledge

NM_002473.6(MYH9):c.563T>G (p.Ile188Ser)

Gene: MYH9 (myosin heavy chain 9; minus strand). Cytogenetic location: 22q12.3.
Variant type: single nucleotide variant.
Coding change: c.563T>G on transcript NM_002473.6 (MANE Select); coding-DNA position 563, T replaced by G.
Protein change: p.Ile188Ser; replaces isoleucine 188 with serine.
Molecular consequence: missense variant.
Genome position (GRCh38, 1-based): chr22:36,326,617, A>C on the plus strand (T>G on the coding strand, the complement: MYH9 is on the minus strand). VCF-style: chr22-36326617-A-C. GRCh37 (hg19) VCF-style: chr22-36722662-A-C.
Other names: short protein forms I188S.
Identifiers: ClinVar variation 4686405 (VCV004686405.1).
Genomic context (GRCh38, chr22:36,326,617, plus strand): 5'-GCAGCACTCACCTGGTCCTTCTTGCTCTTGTGCGAGGACGCCACGTACGCCAGATACTGG[A>C]TGACCTTCTTGGTGTTCTCCGTCTTGCCAGCTCCAGATTCACCACTACCAAGAGAGGCAA-3'
Protein context (NP_002464.1, residues 178-198): AGKTENTKKV[Ile188Ser]QYLAYVASSH